The following is an entry in ClinVar:

NM_021871.4(FGA):c.475G>A (p.Val159Ile)

Gene: FGA (fibrinogen alpha chain; minus strand). Cytogenetic location: 4q31.3.
Variant type: single nucleotide variant.
Coding change: c.475G>A on transcript NM_021871.4 (MANE Select); coding-DNA position 475, G replaced by A.
Protein change: p.Val159Ile; replaces valine 159 with isoleucine.
Molecular consequence: missense variant.
Genome position (GRCh38, 1-based): chr4:154,587,547, C>T on the plus strand (G>A on the coding strand, the complement: FGA is on the minus strand). VCF-style: chr4-154587547-C-T. GRCh37 (hg19) VCF-style: chr4-155508699-C-T.
Other names: c.475G>A, p.Val159Ile (NM_000508.5); short protein forms V159I.
Identifiers: ClinVar variation 1708420 (VCV001708420.5), dbSNP rs199828049, ClinGen allele CA3115294.

ClinVar aggregate classification (germline): Uncertain significance. Review status: criteria provided, multiple submitters, no conflicts (2 of 4 stars). 3 submissions from 3 submitters: Uncertain significance (3). Last evaluated 2024-05-20.

Conditions:
Inborn genetic diseases. Identifiers: MedGen C0950123, MeSH D030342.

Allele frequency attached by ClinVar (database versions not stated): ExAC 0.00002; gnomAD 0.00005.
gnomAD v4.1: 35 of 1,613,800 alleles (0.0022%); highest among the groups gnomAD compares: Non-Finnish European, 0.0029%; no homozygotes.

Submissions (3):

Women's Health and Genetics/Laboratory Corporation of America, LabCorp
Classification: Uncertain significance. Last evaluated: 2024-05-20. Review status: criteria provided, single submitter. Criteria: LabCorp Variant Classification Summary - May 2015. Collection method: clinical testing. Allele origin: germline.
Comment: Variant summary: FGA c.475G>A (p.Val159Ile) results in a conservative amino acid change located in the Fibrinogen, alpha/beta/gamma chain, coiled coil domain (IPR012290) of the encoded protein sequence. Four of five in-silico tools predict a benign effect of the variant on protein function. The variant allele was found at a frequency of 2.8e-05 in 251344 control chromosomes. The available data on variant occurrences in the general population are insufficient to allow any conclusion about variant significance. To our knowledge, no occurrence of c.475G>A in individuals affected with Dysfibrinogenemia, Congenital and no experimental evidence demonstrating its impact on protein function have been reported. ClinVar contains an entry for this variant (Variation ID: 1708420). Based on the evidence outlined above, the variant was classified as uncertain significance.

Ambry Genetics
Classification: Uncertain significance for Inborn genetic diseases. Last evaluated: 2024-01-29. Review status: criteria provided, single submitter. Criteria: Ambry Variant Classification Scheme 2023. Collection method: clinical testing. Allele origin: germline.

Centre of Medical Genetics, University Hospital Muenster
Classification: Uncertain significance. Last evaluated: 2022-09-27. Review status: criteria provided, single submitter. Criteria: ACMG Guidelines, 2015. Collection method: clinical testing. Allele origin: unknown. Affected: yes. Observed: 1 variant allele, 1 heterozygote.
Comment: ACMG categories: PM1,PM2